The following is an entry in ClinVar:

NM_000337.6(SGCD):c.315G>C (p.Lys105Asn)

Gene: SGCD (sarcoglycan delta; plus strand). Cytogenetic location: 5q33.3.
Variant type: single nucleotide variant.
Coding change: c.315G>C on transcript NM_000337.6 (MANE Select); coding-DNA position 315, G replaced by C.
Protein change: p.Lys105Asn; replaces lysine 105 with asparagine.
Molecular consequence: missense variant.
Genome position (GRCh38, 1-based): chr5:156,589,251, G>C. VCF-style: chr5-156589251-G-C. GRCh37 (hg19) VCF-style: chr5-156016261-G-C.
Other names: c.312G>C, p.Lys104Asn (NM_001128209.2); c.315G>C, p.Lys105Asn (NM_172244.3); short protein forms K104N, K105N.
Identifiers: ClinVar variation 862630 (VCV000862630.7), dbSNP rs1760622985, ClinGen allele CA362008521.

ClinVar aggregate classification (germline): Uncertain significance (1 of 4 stars; one submission).

Conditions:
Autosomal recessive limb-girdle muscular dystrophy type 2F (LGMDR6). Also called: Muscular dystrophy limb-girdle with delta-sarcoglyan deficiency; MUSCULAR DYSTROPHY, LIMB-GIRDLE, AUTOSOMAL RECESSIVE 6. Identifiers: Orphanet 219, MedGen C1832525, MONDO:0011028, OMIM 601287. Disease mechanism: Affects gamma-sarcoglycan and also disrupts the integrity of the entire sarcoglycan complex..

gnomAD v4.1: 1 of 1,570,750 alleles (0.000064%); highest among the groups gnomAD compares: Non-Finnish European, 0.000087%; no homozygotes.

Submission:

Labcorp Genetics (formerly Invitae), Labcorp
Classification: Uncertain significance for Autosomal recessive limb-girdle muscular dystrophy type 2F. Last evaluated: 2021-08-31. Review status: criteria provided, single submitter. Criteria: Invitae Variant Classification Sherloc (09022015). Collection method: clinical testing. Allele origin: germline.
Comment: This sequence change replaces lysine with asparagine at codon 105 of the SGCD protein (p.Lys105Asn). The lysine residue is weakly conserved and there is a moderate physicochemical difference between lysine and asparagine. This variant is not present in population databases (ExAC no frequency). This variant has not been reported in the literature in individuals affected with SGCD-related conditions. Algorithms developed to predict the effect of missense changes on protein structure and function (SIFT, PolyPhen-2, Align-GVGD) all suggest that this variant is likely to be tolerated. In summary, the available evidence is currently insufficient to determine the role of this variant in disease. Therefore, it has been classified as a Variant of Uncertain Significance.